The following is an entry in ClinVar:

ClinVar aggregate classification (germline): Likely pathogenic (1 of 4 stars; one submission).

Conditions:
RYR1-related disorder. Also called: RYR1-related condition; RYR1-related disorders. Identifiers: MedGen CN239331.

Submission:

Labcorp Genetics (formerly Invitae), Labcorp
Classification: Likely pathogenic for RYR1-related disorder. Last evaluated: 2016-08-01. Review status: criteria provided, single submitter. Criteria: Invitae Variant Classification Sherloc (09022015). Collection method: clinical testing. Allele origin: germline.
Comment: This sequence change affects a donor splice site in intron 49 of the RYR1 gene. It is expected to disrupt mRNA splicing and likely results in an absent or disrupted protein product. In summary, donor and acceptor splice site variants are typically truncating (PMID: 16199547), and truncating variants in RYR1 are known to be pathogenic ((PMID: 20839240). However, without additional functional and/or genetic data, this variant has been classified as Likely Pathogenic. This variant is not present in population databases (ExAC no frequency) and has not been reported in the literature in individuals with a RYR1-related disease.

Literature cited by the submitters: PubMed 16199547; PubMed 20839240.

NM_000540.3(RYR1):c.7926+2T>C

Gene: RYR1 (ryanodine receptor 1; plus strand). Cytogenetic location: 19q13.2.
Variant type: single nucleotide variant.
Coding change: c.7926+2T>C on transcript NM_000540.3 (MANE Select); the canonical splice donor site of the intron after coding-DNA position 7926, T replaced by C.
Molecular consequence: splice donor variant.
Genome position (GRCh38, 1-based): chr19:38,502,972, T>C. VCF-style: chr19-38502972-T-C. GRCh37 (hg19) VCF-style: chr19-38993612-T-C.
Other names: c.7926+2T>C (NM_001042723.2).
Identifiers: ClinVar variation 478282 (VCV000478282.8), dbSNP rs1555784801, ClinGen allele CA405674336.
Genomic context (GRCh38, chr19:38,502,972, plus strand): 5'-TGCGCCGCCTGGTGTTCGACGTGCCCATCCTCAACGAGTTCGCCAAGATGCCACTCAAGG[T>C]GAGGGCAAGCGCTCTTTAGCATCTCATTTCCAGGCCGCACCCACTGGTTTGCTCTTCCCT-3'